The following is an entry in ClinVar:

NM_001130009.3(GEN1):c.1342G>A (p.Ala448Thr)

Gene: GEN1 (GEN1 structure-specific endonuclease; plus strand). Cytogenetic location: 2p24.2.
Variant type: single nucleotide variant.
Coding change: c.1342G>A on transcript NM_001130009.3 (MANE Select); coding-DNA position 1342, G replaced by A.
Protein change: p.Ala448Thr; replaces alanine 448 with threonine.
Molecular consequence: missense variant.
Genome position (GRCh38, 1-based): chr2:17,780,055, G>A. VCF-style: chr2-17780055-G-A. GRCh37 (hg19) VCF-style: chr2-17961322-G-A.
Other names: c.1342G>A, p.Ala448Thr (NM_182625.5); c.1342G>A (NM_001130009.1); short protein forms A448T.
Identifiers: ClinVar variation 2188361 (VCV002188361.5), dbSNP rs1672751755, ClinGen allele CA345923875.

ClinVar aggregate classification (germline): Uncertain significance. Review status: criteria provided, multiple submitters, no conflicts (2 of 4 stars). 2 submissions from 2 submitters: Uncertain significance (2). Last evaluated 2025-03-08.

Allele frequency attached by ClinVar (database versions not stated): gnomAD exomes 0.00001.
gnomAD v4.1: 5 of 1,608,746 alleles (0.00031%); highest among the groups gnomAD compares: Non-Finnish European, 0.00043%; no homozygotes.

Submissions (2):

Ambry Genetics
Classification: Uncertain significance. Last evaluated: 2025-03-08. Review status: criteria provided, single submitter. Criteria: Ambry Variant Classification Scheme 2023. Collection method: clinical testing. Allele origin: germline.
Comment: The p.A448T variant (also known as c.1342G>A), located in coding exon 12 of the GEN1 gene, results from a G to A substitution at nucleotide position 1342. The alanine at codon 448 is replaced by threonine, an amino acid with similar properties. This amino acid position is conserved. In addition, this alteration is predicted to be tolerated by in silico analysis. Based on the available evidence, the clinical significance of this variant remains unclear.

Labcorp Genetics (formerly Invitae), Labcorp
Classification: Uncertain significance. Last evaluated: 2022-04-08. Review status: criteria provided, single submitter. Criteria: Invitae Variant Classification Sherloc (09022015). Collection method: clinical testing. Allele origin: germline.
Comment: This sequence change replaces alanine, which is neutral and non-polar, with threonine, which is neutral and polar, at codon 448 of the GEN1 protein (p.Ala448Thr). This variant is not present in population databases (gnomAD no frequency). This variant has not been reported in the literature in individuals affected with GEN1-related conditions. Algorithms developed to predict the effect of missense changes on protein structure and function are either unavailable or do not agree on the potential impact of this missense change (SIFT: "Deleterious"; PolyPhen-2: "Probably Damaging"; Align-GVGD: "Class C0"). In summary, the available evidence is currently insufficient to determine the role of this variant in disease. Therefore, it has been classified as a Variant of Uncertain Significance.